The following is an entry in ClinVar:

NM_053277.3(CLIC6):c.471G>A (p.Gly157=)

Gene: CLIC6 (CLIC family member 6; plus strand). Cytogenetic location: 21q22.12.
Variant type: single nucleotide variant.
Coding change: c.471G>A on transcript NM_053277.3 (MANE Select); coding-DNA position 471, G replaced by A.
Protein change: p.Gly157=; no amino-acid change (glycine 157 retained).
Molecular consequence: synonymous variant.
Genome position (GRCh38, 1-based): chr21:34,669,859, G>A. VCF-style: chr21-34669859-G-A. GRCh37 (hg19) VCF-style: chr21-36042158-G-A.
Other names: c.471G>A, p.Gly157= (NM_001317009.2).
Identifiers: ClinVar variation 3234167 (VCV003234167.20), dbSNP rs192051474, ClinGen allele CA10013757.

ClinVar aggregate classification (germline): Likely benign (1 of 4 stars; one submission).

Allele frequency attached by ClinVar (database versions not stated): gnomAD 0.00268; 1000 Genomes Project 30x 0.00437; 1000 Genomes Project 0.00439; ExAC 0.00521.
gnomAD v4.1: 905 of 1,408,744 alleles (0.064%); highest among the groups gnomAD compares: African/African-American, 1%; 4 homozygotes.

Submission:

CeGaT Center for Human Genetics Tuebingen
Classification: Likely benign. Last evaluated: 2024-04-01. Review status: criteria provided, single submitter. Criteria: CeGaT Center For Human Genetics Tuebingen Variant Classification Criteria Version 2. Collection method: clinical testing. Allele origin: germline. Affected: yes. Observed: 1 variant allele.
Comment: CLIC6: BP4, BP7